The following is an entry in ClinVar:

ClinVar aggregate classification (germline): Pathogenic/Likely pathogenic. Review status: criteria provided, multiple submitters, no conflicts (2 of 4 stars). 8 submissions from 8 submitters: Pathogenic (6); Likely pathogenic (1). 1 of the submissions does not count toward it. Last evaluated 2026-01-26.

Conditions:
HDAC8-related disorders.
Inborn genetic diseases. Identifiers: MedGen C0950123, MeSH D030342.
Cornelia de Lange syndrome 5 (CDLS5). Also called: HDAC8-Related Cornelia de Lange Syndrome. Identifiers: Orphanet 199, MedGen C3550903, MONDO:0010471, OMIM 300882.

Allele frequency attached by ClinVar (database versions not stated): ExAC 0.00001; gnomAD exomes 0.00001.

Submissions (8):

Clinical Genetics Laboratory, Skane University Hospital Lund
Classification: Pathogenic for Cornelia de Lange syndrome 5. Last evaluated: 2026-01-26. Review status: criteria provided, single submitter. Criteria: ACMG Guidelines, 2015. Collection method: clinical testing. Allele origin: germline. Inheritance: X-linked dominant inheritance. Affected: yes.
Comment: ACMG-criteria: PS2, PS3, PS4, PM2 and PP3.

Medical and Scientific Branch, Hong Kong Genome Institute
Classification: Likely pathogenic for Cornelia de Lange syndrome 5. Last evaluated: 2026-01-26. Review status: criteria provided, single submitter. Criteria: ACMG Guidelines, 2015. Collection method: clinical testing. Allele origin: de novo. Affected: yes.

Labcorp Genetics (formerly Invitae), Labcorp
Classification: Pathogenic for Cornelia de Lange syndrome 5. Last evaluated: 2024-04-25. Review status: criteria provided, single submitter. Criteria: Invitae Variant Classification Sherloc (09022015). Collection method: clinical testing. Allele origin: germline.
Comment: This sequence change replaces threonine, which is neutral and polar, with methionine, which is neutral and non-polar, at codon 311 of the HDAC8 protein (p.Thr311Met). The frequency data for this variant in the population databases is considered unreliable, as metrics indicate poor data quality at this position in the gnomAD database. This missense change has been observed in individual(s) with Cornelia de Lange syndrome (PMID: 22885700, 30158690; Invitae). In at least one individual the variant was observed to be de novo. ClinVar contains an entry for this variant (Variation ID: 39712). Advanced modeling of protein sequence and biophysical properties (such as structural, functional, and spatial information, amino acid conservation, physicochemical variation, residue mobility, and thermodynamic stability) performed at Invitae indicates that this missense variant is not expected to disrupt HDAC8 protein function with a negative predictive value of 80%. Experimental studies have shown that this missense change affects HDAC8 function (PMID: 22885700). For these reasons, this variant has been classified as Pathogenic.

GeneDx
Classification: Pathogenic. Last evaluated: 2022-07-11. Review status: criteria provided, single submitter. Criteria: GeneDx Variant Classification Process June 2021. Collection method: clinical testing. Allele origin: germline. Affected: yes.
Comment: Published functional studies demonstrate a damaging effect, resulting in reduced enzyme activity (Deardorff et al., 2012; Decroos et al., 2014); Not observed at a significant frequency in large population cohorts (gnomAD); This variant is associated with the following publications: (PMID: 22885700, 25075551, 30158690, 24403048, 31216405)

Blueprint Genetics
Classification: Pathogenic for HDAC8-related disorders. Last evaluated: 2019-04-17. Review status: criteria provided, single submitter. Criteria: ACMG Guidelines, 2015. Collection method: clinical testing. Allele origin: de novo. Affected: yes. Observed: 1 variant allele.

Baylor Genetics
Classification: Pathogenic for Cornelia de Lange syndrome 5. Last evaluated: 2018-03-08. Review status: criteria provided, single submitter. Criteria: ACMG Guidelines, 2015. Collection method: clinical testing. Allele origin: de novo. Affected: yes. Observed: 1 variant allele.

Ambry Genetics
Classification: Pathogenic for Inborn genetic diseases. Last evaluated: 2015-06-25. Review status: criteria provided, single submitter. Criteria: Ambry exome assertion method (8-5-2015). Collection method: clinical testing. Allele origin: germline. Affected: yes. Observed: 2 variant alleles.

OMIM
Classification: Pathogenic for CORNELIA DE LANGE SYNDROME 5. Last evaluated: 2012-09-13. Review status: no assertion criteria provided. Collection method: literature only. Allele origin: germline. Not counted in ClinVar's aggregate classification.

Literature cited by the submitters: PubMed 22885700 (cited by Labcorp Genetics (formerly Invitae), Labcorp and OMIM); PubMed 30158690 (cited by Labcorp Genetics (formerly Invitae), Labcorp and Baylor Genetics); PubMed 25075551 (cited by Ambry Genetics); PubMed 21320778 (cited by Ambry Genetics).

NM_018486.3(HDAC8):c.932C>T (p.Thr311Met)

Gene: HDAC8 (histone deacetylase 8; minus strand). Cytogenetic location: Xq13.1.
Variant type: single nucleotide variant.
Coding change: c.932C>T on transcript NM_018486.3 (MANE Select); coding-DNA position 932, C replaced by T.
Protein change: p.Thr311Met; replaces threonine 311 with methionine.
Molecular consequence: missense variant. On other transcripts: non-coding transcript variant (1).
Genome position (GRCh38, 1-based): chrX:72,462,077, G>A on the plus strand (C>T on the coding strand, the complement: HDAC8 is on the minus strand). VCF-style: chrX-72462077-G-A. GRCh37 (hg19) VCF-style: chrX-71681927-G-A.
Other names: c.659C>T, p.Thr220Met (NM_001166418.2); short protein forms T311M, T220M.
Identifiers: ClinVar variation 39712 (VCV000039712.11), dbSNP rs397515417, ClinGen allele CA261207.
Genomic context (GRCh38, chrX:72,462,077, plus strand): 5'-ATCTCAGAGGATAGTGTTTTCCCTAGGATGACCCCGGTCAAGTATGTCCAGCATCGAGCC[G>A]TGTTGGCAAGGTTATAGCCTCCTGTCTCCATCAAGAATTGTGAAGTTAGGAAAGAATAGT-3'
Protein context (NP_060956.1, residues 301-321): LGGGGYNLAN[Thr311Met]ARCWTYLTGV